The following is an entry in ClinVar:

ClinVar aggregate classification (germline): Pathogenic (1 of 4 stars; one submission).

Allele frequency attached by ClinVar (database versions not stated): gnomAD exomes below 0.00001 and 0.00001; ExAC 0.00002; gnomAD 0.00003 and 0.00004; TOPMed 0.00003.
gnomAD v4.1: 23 of 1,613,324 alleles (0.0014%); highest among the groups gnomAD compares: East Asian, 0.011%; no homozygotes.

Submission:

Labcorp Genetics (formerly Invitae), Labcorp
Classification: Pathogenic. Last evaluated: 2025-01-23. Review status: criteria provided, single submitter. Criteria: Invitae Variant Classification Sherloc (09022015). Collection method: clinical testing. Allele origin: germline.
Comment: This sequence change creates a premature translational stop signal (p.Leu163*) in the C9 gene. It is expected to result in an absent or disrupted protein product. Loss-of-function variants in C9 are known to be pathogenic (PMID: 9144525, 9570574). This variant is present in population databases (rs758239190, gnomAD 0.01%). This variant has not been reported in the literature in individuals affected with C9-related conditions. ClinVar contains an entry for this variant (Variation ID: 1352973). For these reasons, this variant has been classified as Pathogenic.

Literature cited by the submitters: PubMed 9144525; PubMed 9570574.

NM_001737.5(C9):c.488T>G (p.Leu163Ter)

Gene: C9 (complement C9; minus strand). Cytogenetic location: 5p13.1.
Variant type: single nucleotide variant.
Coding change: c.488T>G on transcript NM_001737.5 (MANE Select); coding-DNA position 488, T replaced by G.
Protein change: p.Leu163Ter; replaces leucine 163 with a stop codon.
Molecular consequence: nonsense.
Genome position (GRCh38, 1-based): chr5:39,331,803, A>C on the plus strand (T>G on the coding strand, the complement: C9 is on the minus strand). VCF-style: chr5-39331803-A-C. GRCh37 (hg19) VCF-style: chr5-39331905-A-C.
Other names: short protein forms L163*.
Identifiers: ClinVar variation 1352973 (VCV001352973.5), dbSNP rs758239190, ClinGen allele CA3246978.
Genomic context (GRCh38, chr5:39,331,803, plus strand): 5'-CGGTTACAGAGTCCATTGTAGAACTCATTGTCAAAAGGTGTGCTTAGGGGATCCATCCCT[A>C]AAATGTTGATCCTGAGAATGAACAGAGTAGTATCAGAAGTGGAAATACCACAACACAATG-3'